The following is an entry in ClinVar:

NM_001039141.3(TRIOBP):c.3673C>T (p.Arg1225Ter)

Gene: TRIOBP (TRIO and F-actin binding protein; plus strand). Cytogenetic location: 22q13.1.
Variant type: single nucleotide variant.
Coding change: c.3673C>T on transcript NM_001039141.3 (MANE Select); coding-DNA position 3673, C replaced by T.
Protein change: p.Arg1225Ter; replaces arginine 1225 with a stop codon.
Molecular consequence: nonsense.
Genome position (GRCh38, 1-based): chr22:37,726,229, C>T. VCF-style: chr22-37726229-C-T. GRCh37 (hg19) VCF-style: chr22-38122236-C-T.
Other names: short protein forms R1225*.
Identifiers: ClinVar variation 4680900 (VCV004680900.2).

ClinVar aggregate classification (germline): Conflicting classifications of pathogenicity. Review status: criteria provided, conflicting classifications (1 of 4 stars). 2 submissions from 2 submitters: Likely pathogenic (1); Uncertain significance (1). Last evaluated 2025-07-02.

Conditions:
TRIOBP-related disorder. Also called: TRIOBP-related condition.

gnomAD v4.1: 7 of 1,605,482 alleles (0.00044%); highest among the groups gnomAD compares: South Asian, 0.0044%; no homozygotes.

Submissions (2):

GeneDx
Classification: Uncertain significance. Last evaluated: 2025-07-02. Review status: criteria provided, single submitter. Criteria: GeneDx Variant Classification Process June 2021. Collection method: clinical testing. Allele origin: germline. Affected: yes.
Comment: Nonsense variant predicted to result in protein truncation or nonsense mediated decay in a gene for which loss of function is a known mechanism of disease; Has not been previously published as pathogenic or benign to our knowledge

Blueprint Genetics
Classification: Likely pathogenic for TRIOBP-related disorders. Last evaluated: 2019-01-30. Review status: criteria provided, single submitter. Criteria: ACMG Guidelines, 2015. Collection method: clinical testing. Allele origin: germline. Affected: yes. Observed: 1 variant allele.